The following is an entry in ClinVar:

NM_000180.4(GUCY2D):c.2434C>G (p.Arg812Gly)

Gene: GUCY2D (guanylate cyclase 2D, retinal; plus strand). Cytogenetic location: 17p13.1.
Variant type: single nucleotide variant.
Coding change: c.2434C>G on transcript NM_000180.4 (MANE Select); coding-DNA position 2434, C replaced by G.
Protein change: p.Arg812Gly; replaces arginine 812 with glycine.
Molecular consequence: missense variant.
Genome position (GRCh38, 1-based): chr17:8,014,622, C>G. VCF-style: chr17-8014622-C-G. GRCh37 (hg19) VCF-style: chr17-7917940-C-G.
Other names: short protein forms R812G.
Identifiers: ClinVar variation 942295 (VCV000942295.9), dbSNP rs894774212, ClinGen allele CA287532908.
Genomic context (GRCh38, chr17:8,014,622, plus strand): 5'-AGGTCTTCAGCAGCTTTACCAGCTTCCTTCTACTGCTAGTTCAAGAACATCAACAAGGGC[C>G]GGAAGACGAACATCATTGACTCGATGCTTCGGATGCTGGAGCAGTACTCTAGTAACCTGG-3'
Protein context (NP_000171.1, residues 802-822): FDLFKNINKG[Arg812Gly]KTNIIDSMLR

ClinVar aggregate classification (germline): Uncertain significance. Review status: criteria provided, multiple submitters, no conflicts (2 of 4 stars). 2 submissions from 2 submitters: Uncertain significance (2). Last evaluated 2025-10-24.

Conditions:
Inborn genetic diseases. Identifiers: MedGen C0950123, MeSH D030342.
Cone-rod dystrophy 6 (CORD6). Also called: RETINAL CONE DYSTROPHY 2; Cone dystrophy progressive. Identifiers: Orphanet 1872, MedGen C1866293, MONDO:0011143, OMIM 601777.
Leber congenital amaurosis 1 (LCA1). Also called: RETINAL BLINDNESS, CONGENITAL; AMAUROSIS CONGENITA OF LEBER I; Congenital absence of the rods and cones; Leber's congenital tapetoretinal degeneration; Leber's congenital tapetoretinal dysplasia. Identifiers: Orphanet 65, MedGen C2931258, MONDO:0008764, OMIM 204000.

Allele frequency attached by ClinVar (database versions not stated): TOPMed 0.00002.

Submissions (2):

Labcorp Genetics (formerly Invitae), Labcorp
Classification: Uncertain significance for Leber congenital amaurosis 1; Cone-rod dystrophy 6. Last evaluated: 2025-10-24. Review status: criteria provided, single submitter. Criteria: Invitae Variant Classification Sherloc (09022015). Collection method: clinical testing. Allele origin: germline.
Comment: This sequence change replaces arginine, which is basic and polar, with glycine, which is neutral and non-polar, at codon 812 of the GUCY2D protein (p.Arg812Gly). This variant is not present in population databases (gnomAD no frequency). This variant has not been reported in the literature in individuals affected with GUCY2D-related conditions. ClinVar contains an entry for this variant (Variation ID: 942295). Invitae Evidence Modeling of protein sequence and biophysical properties (such as structural, functional, and spatial information, amino acid conservation, physicochemical variation, residue mobility, and thermodynamic stability) indicates that this missense variant is not expected to disrupt GUCY2D protein function with a negative predictive value of 80%. In summary, the available evidence is currently insufficient to determine the role of this variant in disease. Therefore, it has been classified as a Variant of Uncertain Significance.

Ambry Genetics
Classification: Uncertain significance for Inborn genetic diseases. Last evaluated: 2025-04-02. Review status: criteria provided, single submitter. Criteria: Ambry Variant Classification Scheme 2023. Collection method: clinical testing. Allele origin: germline.